The following is an entry in ClinVar:

NM_017780.4(CHD7):c.2498+3A>G

Gene: CHD7 (chromodomain helicase DNA binding protein 7; plus strand). Cytogenetic location: 8q12.2.
Variant type: single nucleotide variant.
Coding change: c.2498+3A>G on transcript NM_017780.4 (MANE Select); 3 bases into the intron after coding-DNA position 2498, A replaced by G.
Molecular consequence: intron variant.
Genome position (GRCh38, 1-based): chr8:60,808,275, A>G. VCF-style: chr8-60808275-A-G. GRCh37 (hg19) VCF-style: chr8-61720834-A-G.
Other names: c.1716+27225A>G (NM_001316690.1).
Identifiers: ClinVar variation 1404412 (VCV001404412.7), dbSNP rs2150723994, ClinGen allele CA2573143250.
Genomic context (GRCh38, chr8:60,808,275, plus strand): 5'-AGAAGGAATCTGGAGAGGAGGTAGAAATTGAGGAATTCTATGTGAAATACAAAAACTTGT[A>G]AGTAAATTGTGATTCTGTTTTTAATGGGGGGCTATATTTTCCAAGTAGTAAACGACCATT-3'

ClinVar aggregate classification (germline): Conflicting classifications of pathogenicity. Review status: criteria provided, conflicting classifications (1 of 4 stars). 2 submissions from 2 submitters: Uncertain significance (1); Likely benign (1). Last evaluated 2024-09-20.

Conditions:
CHARGE syndrome (CHARGE). Also called: Hittner Hirsch Kreh syndrome; CHARGE ASSOCIATION--COLOBOMA, HEART ANOMALY, CHOANAL ATRESIA, RETARDATION, GENITAL AND EAR ANOMALIES; Coloboma, heart anomaly, choanal atresia, retardation, genital and ear anomalies; CHARGE association; Hall-Hittner syndrome. Identifiers: Orphanet 138, MedGen C0265354, MONDO:0008965.
Hypogonadotropic hypogonadism 5 with or without anosmia (KAL5). Also called: HYPOGONADOTROPIC HYPOGONADISM 5 WITH ANOSMIA; CHD7-Related GnRH Deficiency (Kallmann Syndrome 5); HYPOGONADOTROPHIC HYPOGONADISM 5 WITHOUT ANOSMIA. Identifiers: Orphanet 478, MedGen C3552553, MONDO:0012880, OMIM 612370. Disease mechanism: loss of function.

Submissions (2):

3billion
Classification: Likely benign for CHD7-related CHARGE syndrome; Hypogonadotropic hypogonadism 5 with or without anosmia. Last evaluated: 2024-09-20. Review status: criteria provided, single submitter. Criteria: ACMG Guidelines, 2015. Collection method: clinical testing. Allele origin: germline. Affected: no.
Comment: The variant was identified in at least one patient who was diagnosed with a different variant in another gene and showed no symptoms related to the gene containing the variant in question.

Labcorp Genetics (formerly Invitae), Labcorp
Classification: Uncertain significance for CHARGE syndrome. Last evaluated: 2021-11-14. Review status: criteria provided, single submitter. Criteria: Invitae Variant Classification Sherloc (09022015). Collection method: clinical testing. Allele origin: germline.
Comment: In summary, the available evidence is currently insufficient to determine the role of this variant in disease. Therefore, it has been classified as a Variant of Uncertain Significance. Variants that disrupt the consensus splice site are a relatively common cause of aberrant splicing (PMID: 17576681, 9536098). Algorithms developed to predict the effect of sequence changes on RNA splicing suggest that this variant is not likely to affect RNA splicing. This variant has not been reported in the literature in individuals affected with CHD7-related conditions. This variant is not present in population databases (gnomAD no frequency). This sequence change falls in intron 7 of the CHD7 gene. It does not directly change the encoded amino acid sequence of the CHD7 protein. It affects a nucleotide within the consensus splice site.

Literature cited by the submitters: PubMed 17576681 (cited by Labcorp Genetics (formerly Invitae), Labcorp); PubMed 9536098 (cited by Labcorp Genetics (formerly Invitae), Labcorp).